The following is an entry in ClinVar:

ClinVar aggregate classification (germline): Uncertain significance. Review status: criteria provided, multiple submitters, no conflicts (2 of 4 stars). 2 submissions from 2 submitters: Uncertain significance (2). Last evaluated 2025-02-19.

Submissions (2):

Ambry Genetics
Classification: Uncertain significance. Last evaluated: 2025-02-19. Review status: criteria provided, single submitter. Criteria: Ambry Variant Classification Scheme 2023. Collection method: clinical testing. Allele origin: germline.
Comment: The p.V692M variant (also known as c.2074G>A), located in coding exon 12 of the ATRIP gene, results from a G to A substitution at nucleotide position 2074. The valine at codon 692 is replaced by methionine, an amino acid with highly similar properties. This amino acid position is conserved. In addition, the in silico prediction for this alteration is inconclusive. Based on the available evidence, the clinical significance of this variant remains unclear.

Labcorp Genetics (formerly Invitae), Labcorp
Classification: Uncertain significance. Last evaluated: 2024-01-05. Review status: criteria provided, single submitter. Criteria: Invitae Variant Classification Sherloc (09022015). Collection method: clinical testing. Allele origin: germline.
Comment: This sequence change replaces valine, which is neutral and non-polar, with methionine, which is neutral and non-polar, at codon 692 of the ATRIP protein (p.Val692Met). This variant is not present in population databases (gnomAD no frequency). This variant has not been reported in the literature in individuals affected with ATRIP-related conditions. An algorithm developed to predict the effect of missense changes on protein structure and function (PolyPhen-2) suggests that this variant is likely to be disruptive. In summary, the available evidence is currently insufficient to determine the role of this variant in disease. Therefore, it has been classified as a Variant of Uncertain Significance.

NM_130384.3(ATRIP):c.2074G>A (p.Val692Met)

Genes: ATRIP (ATR interacting protein; plus strand), ATRIP-TREX1 (ATRIP-TREX1 readthrough; plus strand). Cytogenetic location: 3p21.31.
Variant type: single nucleotide variant.
Coding change: c.2074G>A on transcript NM_130384.3 (MANE Select); coding-DNA position 2074, G replaced by A.
Protein change: p.Val692Met; replaces valine 692 with methionine.
Molecular consequence: missense variant. On other transcripts: non-coding transcript variant (1).
Genome position (GRCh38, 1-based): chr3:48,464,849, G>A. VCF-style: chr3-48464849-G-A. GRCh37 (hg19) VCF-style: chr3-48506248-G-A.
Other names: c.1693G>A, p.Val565Met (NM_001271022.2); c.1795G>A, p.Val599Met (NM_001271023.2); c.1993G>A, p.Val665Met (NM_032166.4); c.2074G>A (NM_130384.1); short protein forms V665M, V599M, V565M, V692M.
Identifiers: ClinVar variation 2989423 (VCV002989423.3), dbSNP rs2530014341, ClinGen allele CA352614715.
Genomic context (GRCh38, chr3:48,464,849, plus strand): 5'-CATGGTGGCACCAGGCCTCAGTCTGCACCCCCCCTCTCTCAGGTGGTCAGAGCGCTCACG[G>A]TGATGTTGCACAGACAGTGGCTGACAGTGCGGAGGGCAGGGGGACCCCCAAGGACCGACC-3'
Protein context (NP_569055.1, residues 682-702): CNVEVVRALT[Val692Met]MLHRQWLTVR